The following is an entry in ClinVar:

ClinVar aggregate classification (germline): Pathogenic (1 of 4 stars; one submission).

Submission:

Labcorp Genetics (formerly Invitae), Labcorp
Classification: Pathogenic. Last evaluated: 2024-01-14. Review status: criteria provided, single submitter. Criteria: Invitae Variant Classification Sherloc (09022015). Collection method: clinical testing. Allele origin: germline.
Comment: This sequence change creates a premature translational stop signal (p.Glu737Aspfs*4) in the CDH23 gene. It is expected to result in an absent or disrupted protein product. Loss-of-function variants in CDH23 are known to be pathogenic (PMID: 11138009, 21940737). This variant is not present in population databases (gnomAD no frequency). This variant has not been reported in the literature in individuals affected with CDH23-related conditions. For these reasons, this variant has been classified as Pathogenic.

Literature cited by the submitters: PubMed 11138009; PubMed 21940737.

NM_022124.6(CDH23):c.2211_2212del (p.Glu737fs)

Gene: CDH23 (cadherin related 23; plus strand). Cytogenetic location: 10q22.1.
Variant type: Microsatellite.
Coding change: c.2211_2212del on transcript NM_022124.6 (MANE Select); coding-DNA positions 2211 to 2212, 2 bases deleted (GA; older notation c.2211_2212delGA).
Protein change: p.Glu737fs; shifts the reading frame from glutamic acid 737.
Molecular consequence: frameshift variant.
Genome position (GRCh38, 1-based): chr10:71,694,181-71,694,182, GA deleted; deleting any 2 consecutive bases within chr10:71,694,177-71,694,182 gives the same sequence; the c. name uses the placement nearest the transcript's 3' end. VCF-style (leftmost placement, unchanged base first): chr10-71694176-CGA-C. GRCh37 (hg19) VCF-style: chr10-73453933-CGA-C.
Other names: c.2211_2212del, p.Glu737fs (NM_001171930.2, NM_001171931.2); short protein forms E737fs.
Identifiers: ClinVar variation 2715952 (VCV002715952.3), dbSNP rs1865287034, ClinGen allele CA929782805.
Genomic context (GRCh38, chr10:71,694,176, plus strand): 5'-CCTCTCACGCACCCACTTCTCTCTCTGGCAGGGGAAATCACCACCACGTCTCTGCTTGAC[CGA>C]GAGACCAAGTCTGAATACATCCTCATCGTTCGCGCAGTGGACGGGGGTGTGGGCCACAAC-3'